The following is an entry in ClinVar:

ClinVar aggregate classification (germline): Conflicting classifications of pathogenicity. Review status: criteria provided, conflicting classifications (1 of 4 stars). 7 submissions from 7 submitters: Uncertain significance (1); Benign (3); Likely benign (1). 2 of the submissions do not count toward it. Last evaluated 2026-01-28.

Conditions:
DYSF-related disorder. Also called: DYSF-related condition; DYSF-related disorders.
Neuromuscular disease caused by qualitative or quantitative defects of dysferlin. Also called: Dysferlinopathy; Qualitative or quantitative defects of dysferlin. Identifiers: Orphanet 207073, MedGen C2931687, MONDO:0016145.
Autosomal recessive limb-girdle muscular dystrophy type 2B (LGMDR2). Also called: MUSCULAR DYSTROPHY, LIMB-GIRDLE, AUTOSOMAL RECESSIVE 2; Limb-girdle muscular dystrophy, type 2B; Limb-Girdle Muscular Dystrophy Type 2B (LGMD2B); MUSCULAR DYSTROPHY, LIMB-GIRDLE, TYPE 3. Identifiers: Orphanet 268, MedGen C1850889, MONDO:0009676, OMIM 253601.

Allele frequency attached by ClinVar (database versions not stated): gnomAD exomes 0.00048; 1000 Genomes Project 0.00080; 1000 Genomes Project 30x 0.00109; TOPMed 0.00004.
gnomAD v4.1: 400 of 1,612,270 alleles (0.025%); highest among the groups gnomAD compares: South Asian, 0.41%; 3 homozygotes.

Submissions (7):

Labcorp Genetics (formerly Invitae), Labcorp
Classification: Benign for Neuromuscular disease caused by qualitative or quantitative defects of dysferlin. Last evaluated: 2026-01-28. Review status: criteria provided, single submitter. Criteria: Invitae Variant Classification Sherloc (09022015). Collection method: clinical testing. Allele origin: germline.

Blueprint Genetics
Classification: Likely benign. Last evaluated: 2024-09-06. Review status: criteria provided, single submitter. Criteria: ACMG Guidelines, 2015. Collection method: clinical testing. Allele origin: germline.

Women's Health and Genetics/Laboratory Corporation of America, LabCorp
Classification: Benign. Last evaluated: 2021-07-20. Review status: criteria provided, single submitter. Criteria: LabCorp Variant Classification Summary - May 2015. Collection method: clinical testing. Allele origin: germline.
Comment: Variant summary: DYSF c.4443C>T alters a non-conserved nucleotide resulting in a synonymous change. 4/4 computational tools predict no significant impact on normal splicing. However, these predictions have yet to be confirmed by functional studies. The variant allele was found at a frequency of 0.00048 in 248062 control chromosomes, predominantly at a frequency of 0.0039 within the South Asian subpopulation in the gnomAD database. The observed variant frequency within South Asian control individuals in the gnomAD database is approximately 1.27 fold of the estimated maximal expected allele frequency for a pathogenic variant in DYSF causing Limb-Girdle Muscular Dystrophy, Autosomal Recessive phenotype (0.0031), strongly suggesting that the variant is a benign polymorphism found primarily in populations of South Asian origin. To our knowledge, no occurrence of c.4443C>T in individuals affected with Limb-Girdle Muscular Dystrophy, Autosomal Recessive and no experimental evidence demonstrating its impact on protein function have been reported. Three clinical diagnostic laboratories have submitted clinical-significance assessments for this variant to ClinVar after 2014 without evidence for independent evaluation, and classified the variant as benign (n=2) or VUS (n=1). Based on the evidence outlined above, the variant was classified as benign.

Illumina Laboratory Services, Illumina
Classification: Uncertain significance for Qualitative or quantitative defects of dysferlin. Last evaluated: 2018-01-12. Review status: criteria provided, single submitter. Criteria: ICSL Variant Classification Criteria 13 December 2019. Collection method: clinical testing. Allele origin: germline.

Eurofins Ntd Llc (ga)
Classification: Benign. Last evaluated: 2016-05-31. Review status: criteria provided, single submitter. Criteria: EGL Classification Definitions 2015. Collection method: clinical testing. Allele origin: germline. Observed: 2 variant alleles, 2 heterozygotes.

Natera, Inc.
Classification: Likely benign for Limb-girdle muscular dystrophy type 2B. Last evaluated: 2020-01-26. Review status: no assertion criteria provided. Collection method: clinical testing. Allele origin: germline. Not counted in ClinVar's aggregate classification.

PreventionGenetics, part of Exact Sciences
Classification: Likely benign for DYSF-related condition. Last evaluated: 2019-04-08. Review status: no assertion criteria provided. Collection method: clinical testing. Allele origin: germline. Not counted in ClinVar's aggregate classification.
Comment: This variant is classified as likely benign based on ACMG/AMP sequence variant interpretation guidelines (Richards et al. 2015 PMID: 25741868, with internal and published modifications).

NM_001130987.2(DYSF):c.4560C>T (p.Phe1520=)

Gene: DYSF (dysferlin; plus strand). Cytogenetic location: 2p13.2.
Variant type: single nucleotide variant.
Coding change: c.4560C>T on transcript NM_001130987.2 (MANE Select); coding-DNA position 4560, C replaced by T.
Protein change: p.Phe1520=; no amino-acid change (phenylalanine 1520 retained).
Molecular consequence: synonymous variant.
Genome position (GRCh38, 1-based): chr2:71,643,997, C>T. VCF-style: chr2-71643997-C-T. GRCh37 (hg19) VCF-style: chr2-71871127-C-T.
Other names: c.4446C>T, p.Phe1482= (NM_001130455.2); c.4401C>T, p.Phe1467= (NM_001130976.2); c.4464C>T, p.Phe1488= (NM_001130977.2); c.4506C>T, p.Phe1502= (NM_001130978.2); c.4536C>T, p.Phe1512= (NM_001130979.2); c.4494C>T, p.Phe1498= (NM_001130980.2); c.4557C>T, p.Phe1519= (NM_001130981.2); c.4539C>T, p.Phe1513= (NM_001130982.2); and 5 more.
Identifiers: ClinVar variation 282699 (VCV000282699.25), dbSNP rs544993852, ClinGen allele CA1707053.